The following is an entry in ClinVar:

ClinVar aggregate classification (germline): Pathogenic/Likely pathogenic. Review status: criteria provided, multiple submitters, no conflicts (2 of 4 stars). 2 submissions from 2 submitters: Pathogenic (1); Likely pathogenic (1). Last evaluated 2025-10-08.

Conditions:
Inborn genetic diseases. Identifiers: MedGen C0950123, MeSH D030342.
Febrile seizures, familial, 8 (FEB8). Also called: CONVULSIONS, FAMILIAL FEBRILE, 8. Identifiers: Orphanet 36387, MedGen C1969810, MONDO:0011891, OMIM 607681.

Submissions (2):

Department of Human Genetics, Hannover Medical School
Classification: Likely pathogenic for Febrile seizures, familial, 8. Last evaluated: 2025-10-08. Review status: criteria provided, single submitter. Criteria: ACMG Guidelines, 2015. Collection method: clinical testing. Allele origin: germline. Affected: yes.
Comment: PVS1, PM2_Supporting

Ambry Genetics
Classification: Pathogenic for Inborn genetic diseases. Last evaluated: 2020-10-15. Review status: criteria provided, single submitter. Criteria: Ambry Variant Classification Scheme 2023. Collection method: clinical testing. Allele origin: germline.
Comment: The c.212_215delACAA alteration, located in exon 2 (coding exon 2) of the GABRG2 gene, consists of a deletion of 4 nucleotides from position 212 to 215, causing a translational frameshift with a predicted alternate stop codon (p.N71Tfs*14). This alteration is expected to result in loss of function by premature protein truncation or nonsense-mediated mRNA decay. Based on the available evidence, this alteration is classified as pathogenic.

NM_198904.4(GABRG2):c.212_215del (p.Asn71fs)

Gene: GABRG2 (gamma-aminobutyric acid type A receptor subunit gamma2; plus strand). Cytogenetic location: 5q34.
Variant type: Deletion.
Coding change: c.212_215del on transcript NM_198904.4 (MANE Select); coding-DNA positions 212 to 215, 4 bases deleted (ACAA; older notation c.212_215delACAA).
Protein change: p.Asn71fs; shifts the reading frame from asparagine 71.
Molecular consequence: frameshift variant. On other transcripts: 5 prime UTR variant (3).
Genome position (GRCh38, 1-based): chr5:162,093,932-162,093,935, ACAA deleted; deleting any 4 consecutive bases within chr5:162,093,930-162,093,935 gives the same sequence; the c. name uses the placement nearest the transcript's 3' end. VCF-style (leftmost placement, unchanged base first): chr5-162093929-TAAAC-T. GRCh37 (hg19) VCF-style: chr5-161520935-TAAAC-T.
Other names: c.146_149del, p.Asn49fs (NM_001375346.1, NM_001375345.1); c.212_215del, p.Asn71fs (NM_000816.3, NM_001375340.1, NM_001375341.1 and 4 more transcripts); c.203_206del, p.Asn68fs (NM_001375339.1); c.125_128del, p.Asn42fs (NM_001375347.1); c.-147_-144del (NM_001375348.1, NM_001375350.1); c.-74_-71del (NM_001375349.1); c.212_215delACAA (NM_000816.3); short protein forms N49fs, N68fs, N42fs, N71fs.
Identifiers: ClinVar variation 1786237 (VCV001786237.3), dbSNP rs2532553492, ClinGen allele CA2580073989.